The following is an entry in ClinVar:

ClinVar aggregate classification (germline): Uncertain significance (1 of 4 stars; one submission).

Conditions:
Familial sleep-related hypermotor epilepsy. Also called: Autosomal Dominant Sleep-Related Hypermotor (Hyperkinetic) Epilepsy. Identifiers: Orphanet 98784, MedGen C3696898, MONDO:0000030.

Allele frequency attached by ClinVar (database versions not stated): TOPMed 0.00001.

Submission:

Labcorp Genetics (formerly Invitae), Labcorp
Classification: Uncertain significance. Last evaluated: 2019-10-16. Review status: criteria provided, single submitter. Criteria: Invitae Variant Classification Sherloc (09022015). Collection method: clinical testing. Allele origin: germline.
Comment: This variant has not been reported in the literature in individuals with CHRNB2-related conditions. In summary, the available evidence is currently insufficient to determine the role of this variant in disease. Therefore, it has been classified as a Variant of Uncertain Significance. Algorithms developed to predict the effect of missense changes on protein structure and function are either unavailable or do not agree on the potential impact of this missense change (SIFT: "Deleterious"; PolyPhen-2: "Possibly Damaging"; Align-GVGD: "Class C0"). This variant is not present in population databases (ExAC no frequency). This sequence change replaces isoleucine with methionine at codon 229 of the CHRNB2 protein (p.Ile229Met). The isoleucine residue is highly conserved and there is a small physicochemical difference between isoleucine and methionine.

NM_000748.3(CHRNB2):c.687C>G (p.Ile229Met)

Gene: CHRNB2 (cholinergic receptor nicotinic beta 2 subunit; plus strand). Cytogenetic location: 1q21.3.
Variant type: single nucleotide variant.
Coding change: c.687C>G on transcript NM_000748.3 (MANE Select); coding-DNA position 687, C replaced by G.
Protein change: p.Ile229Met; replaces isoleucine 229 with methionine.
Molecular consequence: missense variant.
Genome position (GRCh38, 1-based): chr1:154,571,510, C>G. VCF-style: chr1-154571510-C-G. GRCh37 (hg19) VCF-style: chr1-154543986-C-G.
Other names: short protein forms I229M.
Identifiers: ClinVar variation 958485 (VCV000958485.9), dbSNP rs1244782091, ClinGen allele CA342630625.